The following is an entry in ClinVar:

ClinVar aggregate classification (germline): Likely pathogenic (1 of 4 stars; one submission).

Conditions:
Lesch-Nyhan syndrome (LNS). Also called: HPRT DEFICIENCY, COMPLETE; Lesch-Nyhan Disease (LND). Identifiers: Orphanet 510, MedGen C0023374, MONDO:0010298, OMIM 300322.
Partial hypoxanthine-guanine phosphoribosyltransferase deficiency. Also called: HPRT1 DEFICIENCY, PARTIAL; Kelley-Seegmiller Syndrome; HPRT DEFICIENCY, PARTIAL; HYPOXANTHINE GUANINE PHOSPHORIBOSYLTRANSFERASE 1 DEFICIENCY, PARTIAL; GOUT, HPRT-RELATED. Identifiers: Orphanet 79233, MedGen C0268117, MONDO:0010299, OMIM 300323.

Submission:

Labcorp Genetics (formerly Invitae), Labcorp
Classification: Likely pathogenic for Lesch-Nyhan syndrome; Partial hypoxanthine-guanine phosphoribosyltransferase deficiency. Last evaluated: 2018-11-06. Review status: criteria provided, single submitter. Criteria: Invitae Variant Classification Sherloc (09022015). Collection method: clinical testing. Allele origin: germline.
Comment: This sequence change replaces histidine with tyrosine at codon 204 of the HPRT1 protein (p.His204Tyr). The histidine residue is highly conserved and there is a moderate physicochemical difference between histidine and tyrosine. This variant is not present in population databases (ExAC no frequency). This variant has been observed in an individual affected withÂ¬â€ Lesch-Nyhan syndromeÂ¬â€ (PMID:Â¬â€ 9799086).Â¬â€ This variant is also known as p.His203Tyr in the literature. Algorithms developed to predict the effect of missense changes on protein structure and function are either unavailable or do not agree on the potential impact of this missense change (SIFT: "Deleterious"; PolyPhen-2: "Benign"; Align-GVGD: "Class C0"). Algorithms developed to predict the effect of sequence changes on RNA splicing suggest that this variant may create or strengthen a splice site, but this prediction has not been confirmed by published transcriptional studies. This variant disrupts the p.His204Â¬â€ (also known as p.His203 in the literature)Â¬â€ amino acid residue in HPRT1. Other variant(s) that disrupt this residue have been observed in affected individuals (PMID: 16549399, 2928313, 22157001, 25481104, 2071157, 23975452), suggesting that it is a clinically significant residue. As a result, variants that disrupt this residue are likely to be causative of disease. In summary, the currently available evidence indicates that the variant is pathogenic, but additional data are needed to prove that conclusively. Therefore, this variant has been classified as Likely Pathogenic.

Literature cited by the submitters: PubMed 16549399; PubMed 25481104; PubMed 23975452; PubMed 2071157; PubMed 22157001; PubMed 2928313.

NM_000194.3(HPRT1):c.610C>T (p.His204Tyr)

Gene: HPRT1 (hypoxanthine phosphoribosyltransferase 1; plus strand). Cytogenetic location: Xq26.3.
Variant type: single nucleotide variant.
Coding change: c.610C>T on transcript NM_000194.3 (MANE Select); coding-DNA position 610, C replaced by T.
Protein change: p.His204Tyr; replaces histidine 204 with tyrosine.
Molecular consequence: missense variant.
Genome position (GRCh38, 1-based): chrX:134,500,030, C>T. VCF-style: chrX-134500030-C-T. GRCh37 (hg19) VCF-style: chrX-133634060-C-T.
Other names: short protein forms H204Y.
Identifiers: ClinVar variation 654514 (VCV000654514.1), dbSNP rs137852490, ClinGen allele CA414716345.